The following is an entry in ClinVar:

NM_000501.4(ELN):c.1884_1886del (p.Ala630del)

Gene: ELN (elastin; plus strand). Cytogenetic location: 7q11.23.
Variant type: Deletion.
Coding change: c.1884_1886del on transcript NM_000501.4 (MANE Select); coding-DNA positions 1884 to 1886, 3 bases deleted (CGC; older notation c.1884_1886delCGC).
Protein change: p.Ala630del; deletes alanine 630.
Molecular consequence: inframe deletion.
Genome position (GRCh38, 1-based): chr7:74,063,335-74,063,337, CGC deleted; deleting any 3 consecutive bases within chr7:74,063,333-74,063,337 gives the same sequence; the c. name uses the placement nearest the transcript's 3' end. VCF-style (leftmost placement, unchanged base first): chr7-74063332-TGCC-T. GRCh37 (hg19) VCF-style: chr7-73477662-TGCC-T.
Other names: c.1797_1799del, p.Ala601del (NM_001081752.3); c.1842_1844del, p.Ala616del (NM_001081753.3); c.1899_1901del, p.Ala635del (NM_001081754.3); c.1827_1829del, p.Ala611del (NM_001081755.3); c.1884_1886del, p.Ala630del (NM_001278912.2); c.1641_1643del, p.Ala549del (NM_001278913.2); c.1812_1814del, p.Ala606del (NM_001278914.2); c.1902_1904del, p.Ala636del (NM_001278915.2); and 4 more; short protein forms A541del, A549del, A582del, A601del, A606del, A611del, A616del, A620del.
Identifiers: ClinVar variation 1806608 (VCV001806608.6), dbSNP rs1381668686, ClinGen allele CA842068074.

ClinVar aggregate classification (germline): Uncertain significance. Review status: criteria provided, multiple submitters, no conflicts (2 of 4 stars). 2 submissions from 2 submitters: Uncertain significance (2). Last evaluated 2022-06-20.

Conditions:
Supravalvar aortic stenosis (SVAS). Also called: Supravalvar aortic stenosis, Eisenberg type. Identifiers: Orphanet 3193, MedGen C0003499, MONDO:0008504, OMIM 185500, HP:0004381.

Submissions (2):

GeneDx
Classification: Uncertain significance. Last evaluated: 2022-06-20. Review status: criteria provided, single submitter. Criteria: GeneDx Variant Classification Process June 2021. Collection method: clinical testing. Allele origin: germline. Affected: yes.
Comment: Not observed at significant frequency in large population cohorts (gnomAD); In-frame deletion of 1 amino acid in a non-repeat region; In silico analysis supports a deleterious effect on protein structure/function; Has not been previously published as pathogenic or benign to our knowledge

Labcorp Genetics (formerly Invitae), Labcorp
Classification: Uncertain significance for Supravalvar aortic stenosis. Last evaluated: 2022-04-18. Review status: criteria provided, single submitter. Criteria: Invitae Variant Classification Sherloc (09022015). Collection method: clinical testing. Allele origin: germline.
Comment: In summary, the available evidence is currently insufficient to determine the role of this variant in disease. Therefore, it has been classified as a Variant of Uncertain Significance. Experimental studies and prediction algorithms are not available or were not evaluated, and the functional significance of this variant is currently unknown. This variant, c.2070_2072del, results in the deletion of 1 amino acid(s) of the ELN protein (p.Ala692del), but otherwise preserves the integrity of the reading frame. This variant is not present in population databases (gnomAD no frequency). This variant has not been reported in the literature in individuals affected with ELN-related conditions.